The following is an entry in ClinVar:

ClinVar aggregate classification (germline): Uncertain significance (1 of 4 stars; one submission).

Conditions:
Developmental and epileptic encephalopathy, 9 (DEE9). Also called: Early infantile epileptic encephalopathy 9; JUBERG-HELLMAN SYNDROME; PCDH19-Related X-Linked Female-Limited Epilepsy with Mental Retardation; EPILEPSY, FEMALE-RESTRICTED, WITH MENTAL RETARDATION. Identifiers: Orphanet 101039, Orphanet 2076, MedGen C1848137, MONDO:0010246, OMIM 300088. Disease mechanism: loss of function.

Allele frequency attached by ClinVar (database versions not stated): gnomAD exomes below 0.00001; gnomAD 0.00001; ExAC 0.00002; TOPMed 0.00003.
gnomAD v4.1: 5 of 1,210,676 alleles (0.00041%); highest among the groups gnomAD compares: African/African-American, 0.0052%; no homozygotes.

Submissions (2):

Labcorp Genetics (formerly Invitae), Labcorp
Classification: Uncertain significance for Developmental and epileptic encephalopathy, 9. Last evaluated: 2023-08-16. Review status: criteria provided, single submitter. Criteria: Invitae Variant Classification Sherloc (09022015). Collection method: clinical testing. Allele origin: germline.
Comment: In summary, the available evidence is currently insufficient to determine the role of this variant in disease. Therefore, it has been classified as a Variant of Uncertain Significance. Advanced modeling of protein sequence and biophysical properties (such as structural, functional, and spatial information, amino acid conservation, physicochemical variation, residue mobility, and thermodynamic stability) performed at Invitae indicates that this missense variant is expected to disrupt PCDH19 protein function. This variant has not been reported in the literature in individuals affected with PCDH19-related conditions. This variant is present in population databases (rs763006186, gnomAD 0.02%). This sequence change replaces serine, which is neutral and polar, with tyrosine, which is neutral and polar, at codon 438 of the PCDH19 protein (p.Ser438Tyr).

Dr. Peter K. Rogan Lab, Western University
No classification provided (evidence only). Condition: Lung cancer. Review status: no classification provided. Collection method: in vitro. Allele origin: not applicable. Functional consequence: retained intron. Not counted in ClinVar's aggregate classification.

NM_001184880.2(PCDH19):c.1313C>A (p.Ser438Tyr)

Gene: PCDH19 (protocadherin 19; minus strand). Cytogenetic location: Xq22.1.
Variant type: single nucleotide variant.
Coding change: c.1313C>A on transcript NM_001184880.2 (MANE Select); coding-DNA position 1313, C replaced by A.
Protein change: p.Ser438Tyr; replaces serine 438 with tyrosine.
Molecular consequence: missense variant.
Genome position (GRCh38, 1-based): chrX:100,407,285, G>T on the plus strand (C>A on the coding strand, the complement: PCDH19 is on the minus strand). VCF-style: chrX-100407285-G-T. GRCh37 (hg19) VCF-style: chrX-99662283-G-T.
Other names: c.1313C>A, p.Ser438Tyr (NM_001105243.2, NM_020766.3); short protein forms S438Y.
Identifiers: ClinVar variation 2884842 (VCV002884842.4), dbSNP rs763006186, ClinGen allele CA10468899.